The following is an entry in ClinVar:

ClinVar aggregate classification (germline): Uncertain significance (1 of 4 stars; one submission).

Conditions:
Mucopolysaccharidosis type 6 (MPS6). Also called: N-ACETYLGALACTOSAMINE-4-SULFATASE DEFICIENCY; MPS VI; ARSB DEFICIENCY; ARYLSULFATASE B DEFICIENCY; MPS 6; Maroteaux Lamy syndrome. Identifiers: Orphanet 583, MedGen C0026709, MONDO:0009661, OMIM 253200.

Allele frequency attached by ClinVar (database versions not stated): ExAC 0.00002.

Submission:

Labcorp Genetics (formerly Invitae), Labcorp
Classification: Uncertain significance for Mucopolysaccharidosis type 6. Last evaluated: 2022-04-01. Review status: criteria provided, single submitter. Criteria: Invitae Variant Classification Sherloc (09022015). Collection method: clinical testing. Allele origin: germline.
Comment: This sequence change replaces arginine, which is basic and polar, with cysteine, which is neutral and slightly polar, at codon 520 of the ARSB protein (p.Arg520Cys). This variant is present in population databases (rs755576984, gnomAD 0.003%). This variant has not been reported in the literature in individuals affected with ARSB-related conditions. Advanced modeling of protein sequence and biophysical properties (such as structural, functional, and spatial information, amino acid conservation, physicochemical variation, residue mobility, and thermodynamic stability) performed at Invitae indicates that this missense variant is expected to disrupt ARSB protein function. In summary, the available evidence is currently insufficient to determine the role of this variant in disease. Therefore, it has been classified as a Variant of Uncertain Significance.

NM_000046.5(ARSB):c.1558C>T (p.Arg520Cys)

Gene: ARSB (arylsulfatase B; minus strand). Cytogenetic location: 5q14.1.
Variant type: single nucleotide variant.
Coding change: c.1558C>T on transcript NM_000046.5 (MANE Select); coding-DNA position 1558, C replaced by T.
Protein change: p.Arg520Cys; replaces arginine 520 with cysteine.
Molecular consequence: missense variant.
Genome position (GRCh38, 1-based): chr5:78,780,441, G>A on the plus strand (C>T on the coding strand, the complement: ARSB is on the minus strand). VCF-style: chr5-78780441-G-A. GRCh37 (hg19) VCF-style: chr5-78076264-G-A.
Other names: short protein forms R520C.
Identifiers: ClinVar variation 2162888 (VCV002162888.1), dbSNP rs755576984, ClinGen allele CA3317960.